The following is an entry in ClinVar:

ClinVar aggregate classification (germline): Uncertain significance. Review status: criteria provided, multiple submitters, no conflicts (2 of 4 stars). 3 submissions from 2 submitters: Uncertain significance (3). Last evaluated 2023-03-01.

Conditions:
Hereditary nonpolyposis colorectal neoplasms. Identifiers: MedGen C0009405, MeSH D003123.
Lynch syndrome. Identifiers: Orphanet 144, MedGen C4552100, MONDO:0005835. Disease mechanism: loss of function.

Submissions (3):

CeGaT Center for Human Genetics Tuebingen
Classification: Uncertain significance. Last evaluated: 2023-03-01. Review status: criteria provided, single submitter. Criteria: CeGaT Center For Human Genetics Tuebingen Variant Classification Criteria Version 2. Collection method: clinical testing. Allele origin: germline. Affected: yes. Observed: 1 variant allele.

Labcorp Genetics (formerly Invitae), Labcorp
Classification: Uncertain significance for Hereditary nonpolyposis colorectal neoplasms. Last evaluated: 2021-09-17. Review status: criteria provided, single submitter. Criteria: Invitae Variant Classification Sherloc (09022015). Collection method: clinical testing. Allele origin: germline.

Labcorp Genetics (formerly Invitae), Labcorp
Classification: Uncertain significance for Hereditary nonpolyposis colorectal neoplasms. Last evaluated: 2015-07-06. Review status: criteria provided, single submitter. Criteria: Invitae Variant Classification Sherloc (09022015). Collection method: clinical testing. Allele origin: germline.
Comment: This sequence change deletes 21 nucleotides from exon 1 of the EPCAM mRNA (c.38_58delTTGCCGCGGCGACGGCGACTT). This leads to the deletion of 7 amino acid residues in the EPCAM protein (p.Ala14_Phe20del) but otherwise preserves the integrity of the reading frame. This variant has not been published in the literature and is not present in population databases. This deletion is in a region that encodes the signal peptide for EPCAM protein (PMID: 23618806) and signal peptides are known to be important for membrane localization during protein synthesis. However, there is no functional evidence that deletion of this region impacts EPCAM protein synthesis and/or localization. In summary, this is a novel variant with uncertain impact on protein function. It has been classified as a Variant of Uncertain Significance.

NM_002354.3(EPCAM):c.45_65del (p.Thr17_Ala23del)

Gene: EPCAM (epithelial cell adhesion molecule; plus strand). Cytogenetic location: 2p21.
Variant type: Deletion.
Coding change: c.45_65del on transcript NM_002354.3 (MANE Select); coding-DNA positions 45 to 65, 21 bases deleted (GGCGACGGCGACTTTTGCCGC).
Protein change: p.Thr17_Ala23del.
Molecular consequence: inframe deletion.
Genome position (GRCh38, 1-based): chr2:47,369,550-47,369,570, GGCGACGGCGACTTTTGCCGC deleted; deleting any 21 consecutive bases within chr2:47,369,543-47,369,570 gives the same sequence; the c. name uses the placement nearest the transcript's 3' end. VCF-style (leftmost placement, unchanged base first): chr2-47369542-CTTGCCGCGGCGACGGCGACTT-C. GRCh37 (hg19) VCF-style: chr2-47596681-CTTGCCGCGGCGACGGCGACTT-C.
Other names: c.38_58delTTGCCGCGGCGACGGCGACTT (NM_002354.2).
Identifiers: ClinVar variation 219445 (VCV000219445.29), dbSNP rs864622092, ClinGen allele CA349164.